The following is an entry in ClinVar:

NM_002834.5(PTPN11):c.976A>G (p.Ser326Gly)

Gene: PTPN11 (protein tyrosine phosphatase non-receptor type 11; plus strand). Cytogenetic location: 12q24.13.
Variant type: single nucleotide variant.
Coding change: c.976A>G on transcript NM_002834.5 (MANE Select); coding-DNA position 976, A replaced by G.
Protein change: p.Ser326Gly; replaces serine 326 with glycine.
Molecular consequence: missense variant.
Genome position (GRCh38, 1-based): chr12:112,477,899, A>G. VCF-style: chr12-112477899-A-G. GRCh37 (hg19) VCF-style: chr12-112915703-A-G.
Other names: c.976A>G, p.Ser326Gly (NM_001330437.2, NM_080601.3); c.973A>G, p.Ser325Gly (NM_001374625.1); short protein forms S325G, S326G.
Identifiers: ClinVar variation 4147368 (VCV004147368.1).
Genomic context (GRCh38, chr12:112,477,899, plus strand): 5'-TTCTTCCTAAATTTCTAGCCTGAATTTGAAACCAAGTGCAACAATTCAAAGCCCAAAAAG[A>G]GTTACATTGCCACACAAGGCTGCCTGCAAAACACGGTGAATGACTTTTGGCGGATGGTGT-3'
Protein context (NP_002825.3, residues 316-336): TKCNNSKPKK[Ser326Gly]YIATQGCLQN

ClinVar aggregate classification (germline): Uncertain significance (1 of 4 stars; one submission).

Conditions:
Cardiovascular phenotype. Identifiers: MedGen CN230736.

gnomAD v4.1: 1 of 1,614,104 alleles (0.000062%); highest among the groups gnomAD compares: Admixed American, 0.0017%; no homozygotes.

Submission:

Ambry Genetics
Classification: Uncertain significance for Cardiovascular phenotype. Last evaluated: 2025-08-10. Review status: criteria provided, single submitter. Criteria: Ambry Variant Classification Scheme 2023. Collection method: clinical testing. Allele origin: germline.
Comment: The p.S326G variant (also known as c.976A>G), located in coding exon 9 of the PTPN11 gene, results from an A to G substitution at nucleotide position 976. The serine at codon 326 is replaced by glycine, an amino acid with similar properties. This amino acid position is conserved. In addition, the in silico prediction for this alteration is inconclusive. Based on the available evidence, the clinical significance of this variant remains unclear.